The following is an entry in ClinVar:

ClinVar aggregate classification (germline): Uncertain significance (1 of 4 stars; one submission).

Conditions:
Hepatic methionine adenosyltransferase deficiency. Also called: Methionine adenosyltransferase deficiency; Isolated Persistent Hypermethioninemia; Deficiency of methionine adenosyltransferase; MAT I/III DEFICIENCY. Identifiers: Orphanet 168598, MedGen C0268621, MeSH C564683, MONDO:0009607, OMIM 250850.

Allele frequency attached by ClinVar (database versions not stated): TOPMed below 0.00001.
gnomAD v4.1: 11 of 1,614,060 alleles (0.00068%); highest among the groups gnomAD compares: African/African-American, 0.004%; no homozygotes.

Submission:

Labcorp Genetics (formerly Invitae), Labcorp
Classification: Uncertain significance for Hepatic methionine adenosyltransferase deficiency. Last evaluated: 2021-02-10. Review status: criteria provided, single submitter. Criteria: Invitae Variant Classification Sherloc (09022015). Collection method: clinical testing. Allele origin: germline.
Comment: This sequence change replaces arginine with histidine at codon 169 of the MAT1A protein (p.Arg169His). The arginine residue is highly conserved and there is a small physicochemical difference between arginine and histidine. This variant is present in population databases (rs766735917, ExAC 0.002%). In summary, the available evidence is currently insufficient to determine the role of this variant in disease. Therefore, it has been classified as a Variant of Uncertain Significance. Algorithms developed to predict the effect of missense changes on protein structure and function do not agree on the potential impact of this missense change (SIFT: "Deleterious"; PolyPhen-2: "Benign"; Align-GVGD: "Class C0"). This variant has not been reported in the literature in individuals with MAT1A-related disease.

NM_000429.3(MAT1A):c.506G>A (p.Arg169His)

Gene: MAT1A (methionine adenosyltransferase 1A; minus strand). Cytogenetic location: 10q22.3.
Variant type: single nucleotide variant.
Coding change: c.506G>A on transcript NM_000429.3 (MANE Select); coding-DNA position 506, G replaced by A.
Protein change: p.Arg169His; replaces arginine 169 with histidine.
Molecular consequence: missense variant.
Genome position (GRCh38, 1-based): chr10:80,280,216, C>T on the plus strand (G>A on the coding strand, the complement: MAT1A is on the minus strand). VCF-style: chr10-80280216-C-T. GRCh37 (hg19) VCF-style: chr10-82039972-C-T.
Other names: short protein forms R169H.
Identifiers: ClinVar variation 1006909 (VCV001006909.8), dbSNP rs766735917, ClinGen allele CA5576778.